The following is an entry in ClinVar:

NM_020338.4(ZMIZ1):c.712A>T (p.Met238Leu)

Gene: ZMIZ1 (zinc finger MIZ-type containing 1; plus strand). Cytogenetic location: 10q22.3.
Variant type: single nucleotide variant.
Coding change: c.712A>T on transcript NM_020338.4 (MANE Select); coding-DNA position 712, A replaced by T.
Protein change: p.Met238Leu; replaces methionine 238 with leucine.
Molecular consequence: missense variant.
Genome position (GRCh38, 1-based): chr10:79,291,130, A>T. VCF-style: chr10-79291130-A-T. GRCh37 (hg19) VCF-style: chr10-81050887-A-T.
Other names: short protein forms M238L.
Identifiers: ClinVar variation 3371982 (VCV003371982.1).

ClinVar aggregate classification (germline): Uncertain significance (1 of 4 stars; one submission).

Submission:

GeneDx
Classification: Uncertain significance. Last evaluated: 2024-04-17. Review status: criteria provided, single submitter. Criteria: GeneDx Variant Classification Process June 2021. Collection method: clinical testing. Allele origin: germline. Affected: yes.
Comment: Not observed at significant frequency in large population cohorts (gnomAD); In silico analysis indicates that this missense variant does not alter protein structure/function; Has not been previously published as pathogenic or benign to our knowledge